The following is an entry in ClinVar:

ClinVar aggregate classification (germline): Uncertain significance (1 of 4 stars; one submission).

Conditions:
Mucopolysaccharidosis, MPS-III-C (MPS3C). Also called: SANFILIPPO SYNDROME C; MPS III C; mucopolysaccharidosis type 3C; MUCOPOLYSACCHARIDOSIS, TYPE IIIC; MPS IIIC (Sanfilippo Syndrome Type C); Mucopolysaccharidosis type IIIC (Sanfilippo C). Identifiers: Orphanet 581, Orphanet 79271, MedGen C0086649, MONDO:0009657, OMIM 252930.
Retinitis pigmentosa 73 (RP73). Identifiers: Orphanet 791, MedGen C4225287, MONDO:0014687, OMIM 616544.

Allele frequency attached by ClinVar (database versions not stated): gnomAD exomes 0.00001.
gnomAD v4.1: 3 of 1,613,440 alleles (0.00019%); highest among the groups gnomAD compares: Non-Finnish European, 0.00025%; no homozygotes.

Submission:

Labcorp Genetics (formerly Invitae), Labcorp
Classification: Uncertain significance for Retinitis pigmentosa 73; Mucopolysaccharidosis, MPS-III-C. Last evaluated: 2022-03-21. Review status: criteria provided, single submitter. Criteria: Invitae Variant Classification Sherloc (09022015). Collection method: clinical testing. Allele origin: germline.
Comment: This sequence change replaces arginine, which is basic and polar, with serine, which is neutral and polar, at codon 378 of the HGSNAT protein (p.Arg378Ser). This variant is not present in population databases (gnomAD no frequency). This variant has not been reported in the literature in individuals affected with HGSNAT-related conditions. Advanced modeling of protein sequence and biophysical properties (such as structural, functional, and spatial information, amino acid conservation, physicochemical variation, residue mobility, and thermodynamic stability) performed at Invitae indicates that this missense variant is not expected to disrupt HGSNAT protein function. In summary, the available evidence is currently insufficient to determine the role of this variant in disease. Therefore, it has been classified as a Variant of Uncertain Significance.

NM_152419.3(HGSNAT):c.1134G>T (p.Arg378Ser)

Gene: HGSNAT (heparan-alpha-glucosaminide N-acetyltransferase; plus strand). Cytogenetic location: 8p11.21.
Variant type: single nucleotide variant.
Coding change: c.1134G>T on transcript NM_152419.3 (MANE Select); coding-DNA position 1134, G replaced by T.
Protein change: p.Arg378Ser; replaces arginine 378 with serine.
Molecular consequence: missense variant.
Genome position (GRCh38, 1-based): chr8:43,191,479, G>T. VCF-style: chr8-43191479-G-T. GRCh37 (hg19) VCF-style: chr8-43046622-G-T.
Other names: c.1134G>T, p.Arg378Ser (NM_001363227.2); c.942G>T, p.Arg314Ser (NM_001363228.2); c.270G>T, p.Arg90Ser (NM_001363229.2); short protein forms R378S, R314S, R90S.
Identifiers: ClinVar variation 2166977 (VCV002166977.1), dbSNP rs2487082952, ClinGen allele CA371118943.